The following is an entry in ClinVar:

ClinVar aggregate classification (germline): Uncertain significance (1 of 4 stars; one submission).

Submission:

Labcorp Genetics (formerly Invitae), Labcorp
Classification: Uncertain significance. Last evaluated: 2021-10-25. Review status: criteria provided, single submitter. Criteria: Invitae Variant Classification Sherloc (09022015). Collection method: clinical testing. Allele origin: germline.
Comment: In summary, the available evidence is currently insufficient to determine the role of this variant in disease. Therefore, it has been classified as a Variant of Uncertain Significance. Algorithms developed to predict the effect of missense changes on protein structure and function are either unavailable or do not agree on the potential impact of this missense change (SIFT: "Deleterious"; PolyPhen-2: "Possibly Damaging"; Align-GVGD: "Class C0"). This variant has not been reported in the literature in individuals affected with CTNNA1-related conditions. This variant is not present in population databases (gnomAD no frequency). This sequence change replaces valine, which is neutral and non-polar, with phenylalanine, which is neutral and non-polar, at codon 234 of the CTNNA1 protein (p.Val234Phe).

NM_001903.5(CTNNA1):c.700G>T (p.Val234Phe)

Gene: CTNNA1 (catenin alpha 1; plus strand). Cytogenetic location: 5q31.2.
Variant type: single nucleotide variant.
Coding change: c.700G>T on transcript NM_001903.5 (MANE Select); coding-DNA position 700, G replaced by T.
Protein change: p.Val234Phe; replaces valine 234 with phenylalanine.
Molecular consequence: missense variant.
Genome position (GRCh38, 1-based): chr5:138,824,641, G>T. VCF-style: chr5-138824641-G-T. GRCh37 (hg19) VCF-style: chr5-138160330-G-T.
Other names: c.700G>T, p.Val234Phe (NM_001290307.3, NM_001323982.2, NM_001323983.1 and 3 more transcripts); c.391G>T, p.Val131Phe (NM_001290309.3); c.331G>T, p.Val111Phe (NM_001290310.3); short protein forms V234F, V111F, V131F.
Identifiers: ClinVar variation 1389437 (VCV001389437.6), dbSNP rs570687363, ClinGen allele CA361129773.
Genomic context (GRCh38, chr5:138,824,641, plus strand): 5'-CTGCAGAAGAACGTTCCGATCCTCTATACTGCATCCCAGGCATGCCTACAGCACCCTGAT[G>T]TCGCAGCCTATAAGGCCAACAGGGACCTGATATACAAGCAGCTGCAGCAGGCGGTCACAG-3'
Protein context (NP_001894.2, residues 224-244): ASQACLQHPD[Val234Phe]AAYKANRDLI